The following is an entry in ClinVar:

ClinVar aggregate classification (germline): Uncertain significance. Review status: criteria provided, multiple submitters, no conflicts (2 of 4 stars). 3 submissions from 3 submitters: Uncertain significance (2). 1 of the submissions does not count toward it. Last evaluated 2024-04-10.

Conditions:
Megaloblastic anemia, thiamine-responsive, with diabetes mellitus and sensorineural deafness (TRMA). Also called: Thiamine-Responsive Megaloblastic Anemia Syndrome; ROGERS SYNDROME; THIAMINE-RESPONSIVE ANEMIA SYNDROME; THIAMINE-RESPONSIVE MYELODYSPLASIA; THIAMINE METABOLISM DYSFUNCTION SYNDROME 1 (MEGALOBLASTIC ANEMIA, DIABETES MELLITUS, AND DEAFNESS TYPE). Identifiers: Orphanet 49827, MedGen C0342287, MONDO:0009575, OMIM 249270.

Allele frequency attached by ClinVar (database versions not stated): gnomAD exomes below 0.00001; gnomAD 0.00001; TOPMed 0.00001; ExAC 0.00004.
gnomAD v4.1: 3 of 1,574,224 alleles (0.00019%); highest among the groups gnomAD compares: Admixed American, 0.0018%; no homozygotes.

Submissions (3):

Fulgent Genetics
Classification: Uncertain significance for Megaloblastic anemia, thiamine-responsive, with diabetes mellitus and sensorineural deafness. Last evaluated: 2024-04-10. Review status: criteria provided, single submitter. Criteria: ACMG Guidelines, 2015. Collection method: clinical testing. Allele origin: germline.

Labcorp Genetics (formerly Invitae), Labcorp
Classification: Uncertain significance. Last evaluated: 2022-11-24. Review status: criteria provided, single submitter. Criteria: Invitae Variant Classification Sherloc (09022015). Collection method: clinical testing. Allele origin: germline.
Comment: Experimental studies have shown that this missense change affects SLC19A2 function (PMID: 17331069). This sequence change replaces proline, which is neutral and non-polar, with leucine, which is neutral and non-polar, at codon 51 of the SLC19A2 protein (p.Pro51Leu). The frequency data for this variant in the population databases is considered unreliable, as metrics indicate poor data quality at this position in the gnomAD database. This missense change has been observed in individual(s) with thiamine-responsive megaloblastic anemia (PMID: 14994241). ClinVar contains an entry for this variant (Variation ID: 5964). Advanced modeling of protein sequence and biophysical properties (such as structural, functional, and spatial information, amino acid conservation, physicochemical variation, residue mobility, and thermodynamic stability) performed at Invitae indicates that this missense variant is expected to disrupt SLC19A2 protein function. In summary, the available evidence is currently insufficient to determine the role of this variant in disease. Therefore, it has been classified as a Variant of Uncertain Significance.

OMIM
Classification: Pathogenic for THIAMINE-RESPONSIVE MEGALOBLASTIC ANEMIA SYNDROME. Last evaluated: 2004-03-15. Review status: no assertion criteria provided. Collection method: literature only. Allele origin: germline. Not counted in ClinVar's aggregate classification.

Literature cited by the submitters: PubMed 17331069 (cited by Labcorp Genetics (formerly Invitae), Labcorp); PubMed 14994241 (cited by Labcorp Genetics (formerly Invitae), Labcorp and OMIM).

NM_006996.3(SLC19A2):c.152C>T (p.Pro51Leu)

Genes: SLC19A2 (solute carrier family 19 member 2; minus strand), LOC129931894 (ATAC-STARR-seq lymphoblastoid silent region 1546; plus strand). Cytogenetic location: 1q24.2.
Variant type: single nucleotide variant.
Coding change: c.152C>T on transcript NM_006996.3 (MANE Select); coding-DNA position 152, C replaced by T.
Protein change: p.Pro51Leu; replaces proline 51 with leucine.
Molecular consequence: missense variant.
Genome position (GRCh38, 1-based): chr1:169,485,615, G>A on the plus strand (C>T on the coding strand, the complement: SLC19A2 is on the minus strand). VCF-style: chr1-169485615-G-A. GRCh37 (hg19) VCF-style: chr1-169454853-G-A.
Other names: C152T; c.152C>T, p.Pro51Leu (NM_001319667.1); short protein forms P51L.
Identifiers: ClinVar variation 5964 (VCV000005964.5), dbSNP rs121908540, ClinGen allele CA253663.